The following is an entry in ClinVar:

NM_022051.3(EGLN1):c.1066A>G (p.Ile356Val)

Gene: EGLN1 (egl-9 family hypoxia inducible factor 1; minus strand). Cytogenetic location: 1q42.2.
Variant type: single nucleotide variant.
Coding change: c.1066A>G on transcript NM_022051.3 (MANE Select); coding-DNA position 1066, A replaced by G.
Protein change: p.Ile356Val; replaces isoleucine 356 with valine.
Molecular consequence: missense variant. On other transcripts: intron variant (1).
Genome position (GRCh38, 1-based): chr1:231,370,644, T>C on the plus strand (A>G on the coding strand, the complement: EGLN1 is on the minus strand). VCF-style: chr1-231370644-T-C. GRCh37 (hg19) VCF-style: chr1-231506390-T-C.
Other names: c.1066A>G, p.Ile356Val (NM_001377260.1); c.1012-3008A>G (NM_001377261.1); short protein forms I356V.
Identifiers: ClinVar variation 1781786 (VCV001781786.3), dbSNP rs376342020, ClinGen allele CA1453023.
Genomic context (GRCh38, chr1:231,370,644, plus strand): 5'-CTTCATGAGGGTTGCGACGGTCAGACCAGAAAAACAGCAGTCTATCAAATTTGGGTTCAA[T>C]GTCAGCAAACTGGGCTTTGCCTTCTGGAAAAATTCGAAGTATACCTCCACTTACCTAGGA-3'
Protein context (NP_071334.1, residues 346-366): FPEGKAQFAD[Ile356Val]EPKFDRLLFF

ClinVar aggregate classification (germline): Uncertain significance (1 of 4 stars; one submission).

Allele frequency attached by ClinVar (database versions not stated): gnomAD exomes below 0.00001; ExAC 0.00001; gnomAD 0.00001; TOPMed 0.00002; ESP Exome Variant Server 0.00008.
gnomAD v4.1: 2 of 1,614,054 alleles (0.00012%); highest among the groups gnomAD compares: Non-Finnish European, 0.00017%; no homozygotes.

Submission:

Ambry Genetics
Classification: Uncertain significance. Last evaluated: 2024-06-08. Review status: criteria provided, single submitter. Criteria: Ambry Variant Classification Scheme 2023. Collection method: clinical testing. Allele origin: germline.
Comment: The p.I356V variant (also known as c.1066A>G), located in coding exon 3 of the EGLN1 gene, results from an A to G substitution at nucleotide position 1066. The isoleucine at codon 356 is replaced by valine, an amino acid with highly similar properties. This amino acid position is highly conserved in available vertebrate species. In addition, this alteration is predicted to be tolerated by in silico analysis. Since supporting evidence is limited at this time, the clinical significance of this alteration remains unclear.